The following is an entry in ClinVar:

NM_001303256.3(MORC2):c.2650G>A (p.Ala884Thr)

Gene: MORC2 (MORC family CW-type zinc finger 2; minus strand). Cytogenetic location: 22q12.2.
Variant type: single nucleotide variant.
Coding change: c.2650G>A on transcript NM_001303256.3 (MANE Select); coding-DNA position 2650, G replaced by A.
Protein change: p.Ala884Thr; replaces alanine 884 with threonine.
Molecular consequence: missense variant.
Genome position (GRCh38, 1-based): chr22:30,932,642, C>T on the plus strand (G>A on the coding strand, the complement: MORC2 is on the minus strand). VCF-style: chr22-30932642-C-T. GRCh37 (hg19) VCF-style: chr22-31328629-C-T.
Other names: c.2650G>A, p.Ala884Thr (NM_001303257.2); c.2464G>A, p.Ala822Thr (NM_014941.3); short protein forms A822T, A884T.
Identifiers: ClinVar variation 663507 (VCV000663507.13), dbSNP rs372297066, ClinGen allele CA10186600.

ClinVar aggregate classification (germline): Likely benign. Review status: criteria provided, multiple submitters, no conflicts (2 of 4 stars). 2 submissions from 2 submitters: Likely benign (2). Last evaluated 2026-06-05.

Conditions:
Charcot-Marie-Tooth disease axonal type 2Z. Also called: CHARCOT-MARIE-TOOTH DISEASE, AXONAL, AUTOSOMAL DOMINANT, TYPE 2Z; CHARCOT-MARIE-TOOTH NEUROPATHY, TYPE 2Z. Identifiers: Orphanet 466768, MedGen C5569025, MONDO:0014736, OMIM 616688.

Allele frequency attached by ClinVar (database versions not stated): gnomAD 0.00001; gnomAD exomes 0.00001 and 0.00005; TOPMed 0.00002; ExAC 0.00003.
gnomAD v4.1: 25 of 1,614,060 alleles (0.0015%); highest among the groups gnomAD compares: Admixed American, 0.022%; no homozygotes.

Submissions (2):

Women's Health and Genetics/Laboratory Corporation of America, LabCorp
Classification: Likely benign. Last evaluated: 2026-06-05. Review status: criteria provided, single submitter. Criteria: LabCorp Variant Classification Summary - May 2015. Collection method: clinical testing. Allele origin: germline.
Comment: Variant summary: MORC2 c.2650G>A (p.Ala884Thr) results in a non-conservative amino acid change in the encoded protein sequence. Algorithms developed to predict the effect of missense changes on protein structure and function are either unavailable or do not agree on the potential impact of this missense change. The variant allele was found at a frequency of 5.2e-05 in 251370 control chromosomes. The observed variant frequency exceeds the estimated maximal expected allele frequency for disease-causing variants in MORC2. To our knowledge, no occurrence of c.2650G>A in individuals affected with MORC2-related conditions and no experimental evidence demonstrating its impact on protein function have been reported. ClinVar contains an entry for this variant (Variation ID: 663507). Based on the evidence outlined above, the variant was classified as likely benign.

Labcorp Genetics (formerly Invitae), Labcorp
Classification: Likely benign for Charcot-Marie-Tooth disease axonal type 2Z. Last evaluated: 2025-09-19. Review status: criteria provided, single submitter. Criteria: Invitae Variant Classification Sherloc (09022015). Collection method: clinical testing. Allele origin: germline.